The following is an entry in ClinVar:

ClinVar aggregate classification (germline): Uncertain significance. Review status: criteria provided, multiple submitters, no conflicts (2 of 4 stars). 2 submissions from 2 submitters: Uncertain significance (2). Last evaluated 2025-06-12.

Allele frequency attached by ClinVar (database versions not stated): ExAC 0.00014.
gnomAD v4.1: 58 of 1,551,622 alleles (0.0037%); highest among the groups gnomAD compares: Middle Eastern, 0.033%; 1 homozygote.

Submissions (2):

Labcorp Genetics (formerly Invitae), Labcorp
Classification: Uncertain significance. Last evaluated: 2025-06-12. Review status: criteria provided, single submitter. Criteria: Invitae Variant Classification Sherloc (09022015). Collection method: clinical testing. Allele origin: germline.
Comment: This sequence change replaces arginine, which is basic and polar, with proline, which is neutral and non-polar, at codon 1588 of the WDR87 protein (p.Arg1588Pro). This variant is present in population databases (rs755582407, gnomAD 0.03%). This variant has not been reported in the literature in individuals affected with WDR87-related conditions. ClinVar contains an entry for this variant (Variation ID: 2362954). An algorithm developed to predict the effect of missense changes on protein structure and function (PolyPhen-2) suggests that this variant is likely to be disruptive. In summary, the available evidence is currently insufficient to determine the role of this variant in disease. Therefore, it has been classified as a Variant of Uncertain Significance.

Ambry Genetics
Classification: Uncertain significance. Last evaluated: 2024-06-17. Review status: criteria provided, single submitter. Criteria: Ambry Variant Classification Scheme 2023. Collection method: clinical testing. Allele origin: germline.

NM_001291088.2(WDR87):c.4880G>C (p.Arg1627Pro)

Gene: WDR87 (WD repeat domain 87; minus strand). Cytogenetic location: 19q13.13.
Variant type: single nucleotide variant.
Coding change: c.4880G>C on transcript NM_001291088.2 (MANE Select); coding-DNA position 4880, G replaced by C.
Protein change: p.Arg1627Pro; replaces arginine 1627 with proline.
Molecular consequence: missense variant.
Genome position (GRCh38, 1-based): chr19:37,888,791, C>G on the plus strand (G>C on the coding strand, the complement: WDR87 is on the minus strand). VCF-style: chr19-37888791-C-G. GRCh37 (hg19) VCF-style: chr19-38379431-C-G.
Other names: c.4763G>C, p.Arg1588Pro (NM_031951.5); short protein forms R1588P, R1627P.
Identifiers: ClinVar variation 2362954 (VCV002362954.6), dbSNP rs755582407, ClinGen allele CA9408618.